The following is an entry in ClinVar:

NM_001035.3(RYR2):c.6922T>G (p.Cys2308Gly)

Gene: RYR2 (ryanodine receptor 2; plus strand). Cytogenetic location: 1q43.
Variant type: single nucleotide variant.
Coding change: c.6922T>G on transcript NM_001035.3 (MANE Select); coding-DNA position 6922, T replaced by G.
Protein change: p.Cys2308Gly; replaces cysteine 2308 with glycine.
Molecular consequence: missense variant.
Genome position (GRCh38, 1-based): chr1:237,638,486, T>G. VCF-style: chr1-237638486-T-G. GRCh37 (hg19) VCF-style: chr1-237801786-T-G.
Other names: short protein forms C2308G.
Identifiers: ClinVar variation 3074013 (VCV003074013.1), dbSNP rs1681106353, ClinGen allele CA345395699.
Genomic context (GRCh38, chr1:237,638,486, plus strand): 5'-ATTGGGTGGAACCCAGTTGAAGGAGAGAGATATCTTGACTTTCTTAGATTTGCTGTCTTC[T>G]GTAATGGTAGGACTTGATTTCTTGAGGTCTTTTGAGTTATCATTAAAACTGCATAGAGAT-3'
Protein context (NP_001026.2, residues 2298-2318): YLDFLRFAVF[Cys2308Gly]NGESVEENAN

ClinVar aggregate classification (germline): Uncertain significance (1 of 4 stars; one submission).

Conditions:
Catecholaminergic polymorphic ventricular tachycardia (CVPT). Also called: Catecholamine-induced polymorphic ventricular tachycardia. Identifiers: Orphanet 3286, MedGen C5574922, MONDO:0017990.

Submission:

All of Us Research Program, National Institutes of Health
Classification: Uncertain significance for Catecholaminergic polymorphic ventricular tachycardia. Last evaluated: 2023-11-30. Review status: criteria provided, single submitter. Criteria: ACMG Guidelines, 2015. Collection method: clinical testing. Allele origin: germline. Inheritance: Autosomal dominant inheritance. Observed: 1 variant allele, 1 heterozygote.
Comment: This study involves interpretation of variants in research participants for the purpose of population health screening. Participant phenotype was not available at the time of variant classification. Additional details can be found in publication PMID: 35346344, PMCID: PMC8962531